The following is an entry in ClinVar:

ClinVar aggregate classification (germline): Uncertain significance (1 of 4 stars; one submission).

Conditions:
Inborn genetic diseases. Identifiers: MedGen C0950123, MeSH D030342.

Submission:

Ambry Genetics
Classification: Uncertain significance for Inborn genetic diseases. Last evaluated: 2025-10-16. Review status: criteria provided, single submitter. Criteria: Ambry Variant Classification Scheme 2023. Collection method: clinical testing. Allele origin: germline.
Comment: The p.N195H variant (also known as c.583A>C), located in coding exon 5 of the PAX5 gene, results from an A to C substitution at nucleotide position 583. The asparagine at codon 195 is replaced by histidine, an amino acid with similar properties. This amino acid position is conserved. In addition, the in silico prediction for this alteration is inconclusive. Based on the available evidence, the clinical significance of this variant remains unclear.

NM_016734.3(PAX5):c.583A>C (p.Asn195His)

Genes: PAX5 (paired box 5; minus strand), LOC105376032 (uncharacterized LOC105376032; plus strand). Cytogenetic location: 9p13.2.
Variant type: single nucleotide variant.
Coding change: c.583A>C on transcript NM_016734.3 (MANE Select); coding-DNA position 583, A replaced by C.
Protein change: p.Asn195His; replaces asparagine 195 with histidine.
Molecular consequence: missense variant. On other transcripts: non-coding transcript variant (2), intron variant (2).
Genome position (GRCh38, 1-based): chr9:37,002,669, T>G on the plus strand (A>C on the coding strand, the complement: PAX5 is on the minus strand). VCF-style: chr9-37002669-T-G. GRCh37 (hg19) VCF-style: chr9-37002666-T-G.
Other names: c.583A>C, p.Asn195His (NM_001280547.2, NM_001280548.2, NM_001280549.2 and 2 more transcripts); c.259A>C, p.Asn87His (NM_001280551.2, NM_001280556.2); c.385A>C, p.Asn129His (NM_001280555.2); c.475+3804A>C (NM_001280553.2, NM_001280554.2); short protein forms N129H, N195H, N87H.
Identifiers: ClinVar variation 4626946 (VCV004626946.1).